The following is an entry in ClinVar:

NM_001388492.1(HTT):c.385A>G (p.Met129Val)

Gene: HTT (huntingtin; plus strand). Cytogenetic location: 4p16.3.
Variant type: single nucleotide variant.
Coding change: c.385A>G on transcript NM_001388492.1 (MANE Select); coding-DNA position 385, A replaced by G.
Protein change: p.Met129Val; replaces methionine 129 with valine.
Molecular consequence: missense variant.
Genome position (GRCh38, 1-based): chr4:3,099,311, A>G. VCF-style: chr4-3099311-A-G. GRCh37 (hg19) VCF-style: chr4-3101038-A-G.
Other names: c.391A>G, p.Met131Val (NM_002111.8); short protein forms M129V, M131V.
Identifiers: ClinVar variation 1377490 (VCV001377490.6), dbSNP rs77742164, ClinGen allele CA2823205.

ClinVar aggregate classification (germline): Uncertain significance (1 of 4 stars; one submission).

Allele frequency attached by ClinVar (database versions not stated): gnomAD exomes 0.00011 and 0.00022; TOPMed 0.00014; ExAC 0.00026; 1000 Genomes Project 30x 0.00031; 1000 Genomes Project 0.00040.

Submission:

Labcorp Genetics (formerly Invitae), Labcorp
Classification: Uncertain significance. Last evaluated: 2022-09-01. Review status: criteria provided, single submitter. Criteria: Invitae Variant Classification Sherloc (09022015). Collection method: clinical testing. Allele origin: germline.
Comment: ClinVar contains an entry for this variant (Variation ID: 1377490). In summary, the available evidence is currently insufficient to determine the role of this variant in disease. Therefore, it has been classified as a Variant of Uncertain Significance. Experimental studies and prediction algorithms are not available or were not evaluated, and the functional significance of this variant is currently unknown. This variant has not been reported in the literature in individuals affected with HTT-related conditions. This variant is present in population databases (rs77742164, gnomAD 0.1%). This sequence change replaces methionine, which is neutral and non-polar, with valine, which is neutral and non-polar, at codon 131 of the HTT protein (p.Met131Val).